The following is an entry in ClinVar:

NM_001042492.3(NF1):c.6382A>T (p.Asn2128Tyr)

Gene: NF1 (neurofibromin 1; plus strand). Cytogenetic location: 17q11.2.
Variant type: single nucleotide variant.
Coding change: c.6382A>T on transcript NM_001042492.3 (MANE Select); coding-DNA position 6382, A replaced by T.
Protein change: p.Asn2128Tyr; replaces asparagine 2128 with tyrosine.
Molecular consequence: missense variant.
Genome position (GRCh38, 1-based): chr17:31,336,869, A>T. VCF-style: chr17-31336869-A-T. GRCh37 (hg19) VCF-style: chr17-29663887-A-T.
Other names: c.6319A>T, p.Asn2107Tyr (NM_000267.4); short protein forms N2128Y, N2107Y.
Identifiers: ClinVar variation 1500232 (VCV001500232.6), dbSNP rs2151555041, ClinGen allele CA399012867.
Genomic context (GRCh38, chr17:31,336,869, plus strand): 5'-ACTTTCTTAGTAGCCACAGGTCCGCTCTCCCTTAGAGCTTCCACACATGGACTGGTCATT[A>T]ATATCATTCACTCTCTGTGTACTTGTTCACAGCTTCATTTTAGTGGTAAGTTCTAGGAAA-3'
Protein context (NP_001035957.1, residues 2118-2138): LRASTHGLVI[Asn2128Tyr]IIHSLCTCSQ

ClinVar aggregate classification (germline): Uncertain significance (1 of 4 stars; one submission).

Conditions:
Neurofibromatosis, type 1 (NF1). Also called: VON RECKLINGHAUSEN DISEASE; NEUROFIBROMATOSIS, TYPE I, SOMATIC; Peripheral type neurofibromatosis; Neurofibromatosis, type I. Identifiers: Orphanet 636, MedGen C0027831, MONDO:0018975, OMIM 162200. Disease mechanism: loss of function.

Submission:

Labcorp Genetics (formerly Invitae), Labcorp
Classification: Uncertain significance for Neurofibromatosis, type 1. Last evaluated: 2022-08-09. Review status: criteria provided, single submitter. Criteria: Invitae Variant Classification Sherloc (09022015). Collection method: clinical testing. Allele origin: germline.
Comment: In summary, the available evidence is currently insufficient to determine the role of this variant in disease. Therefore, it has been classified as a Variant of Uncertain Significance. Advanced modeling of protein sequence and biophysical properties (such as structural, functional, and spatial information, amino acid conservation, physicochemical variation, residue mobility, and thermodynamic stability) performed at Invitae indicates that this missense variant is expected to disrupt NF1 protein function. ClinVar contains an entry for this variant (Variation ID: 1500232). This variant has not been reported in the literature in individuals affected with NF1-related conditions. This variant is not present in population databases (gnomAD no frequency). This sequence change replaces asparagine, which is neutral and polar, with tyrosine, which is neutral and polar, at codon 2107 of the NF1 protein (p.Asn2107Tyr).